The following is an entry in ClinVar:

NM_000722.4(CACNA2D1):c.3122G>A (p.Arg1041Gln)

Gene: CACNA2D1 (calcium voltage-gated channel auxiliary subunit alpha2delta 1; minus strand). Cytogenetic location: 7q21.11.
Variant type: single nucleotide variant.
Coding change: c.3122G>A on transcript NM_000722.4 (MANE Select); coding-DNA position 3122, G replaced by A.
Protein change: p.Arg1041Gln; replaces arginine 1041 with glutamine.
Molecular consequence: missense variant.
Genome position (GRCh38, 1-based): chr7:81,959,312, C>T on the plus strand (G>A on the coding strand, the complement: CACNA2D1 is on the minus strand). VCF-style: chr7-81959312-C-T. GRCh37 (hg19) VCF-style: chr7-81588628-C-T.
Other names: c.3158G>A, p.Arg1053Gln (NM_001366867.1); short protein forms R1053Q, R1041Q.
Identifiers: ClinVar variation 1727876 (VCV001727876.2), dbSNP rs1185643286, ClinGen allele CA367881077.
Genomic context (GRCh38, chr7:81,959,312, plus strand): 5'-ATCCAGTAGAAGTGTGATCTTACCAAGACATTGTTATCAAAGCAGACATCAGGCCCTTTT[C>T]GGTATCTGGGTTGCTTAACCATGTCACAAGGATTTGGACCGTCAGCTAAAAGAGACTTGT-3'
Protein context (NP_000713.2, residues 1031-1051): PCDMVKQPRY[Arg1041Gln]KGPDVCFDNN

ClinVar aggregate classification (germline): Uncertain significance (1 of 4 stars; one submission).

Conditions:
Cardiovascular phenotype. Identifiers: MedGen CN230736.

Allele frequency attached by ClinVar (database versions not stated): gnomAD exomes below 0.00001; gnomAD 0.00001.
gnomAD v4.1: 2 of 1,611,514 alleles (0.00012%); highest among the groups gnomAD compares: Admixed American, 0.0017%; no homozygotes.

Submission:

Ambry Genetics
Classification: Uncertain significance for Cardiovascular phenotype. Last evaluated: 2022-01-19. Review status: criteria provided, single submitter. Criteria: Ambry Variant Classification Scheme 2023. Collection method: clinical testing. Allele origin: germline.
Comment: The p.R1041Q variant (also known as c.3122G>A), located in coding exon 38 of the CACNA2D1 gene, results from a G to A substitution at nucleotide position 3122. The arginine at codon 1041 is replaced by glutamine, an amino acid with highly similar properties. This amino acid position is conserved. In addition, this alteration is predicted to be deleterious by in silico analysis. Since supporting evidence is limited at this time, the clinical significance of this alteration remains unclear.